The following is an entry in ClinVar:

NM_016038.4(SBDS):c.505C>T (p.Arg169Cys)

Gene: SBDS (SBDS ribosome maturation factor; minus strand). Cytogenetic location: 7q11.21.
Variant type: single nucleotide variant.
Coding change: c.505C>T on transcript NM_016038.4 (MANE Select); coding-DNA position 505, C replaced by T.
Protein change: p.Arg169Cys; replaces arginine 169 with cysteine.
Molecular consequence: missense variant.
Genome position (GRCh38, 1-based): chr7:66,991,256, G>A on the plus strand (C>T on the coding strand, the complement: SBDS is on the minus strand). VCF-style: chr7-66991256-G-A. GRCh37 (hg19) VCF-style: chr7-66456243-G-A.
Other names: NM_016038.2:c.505C>T(p.Arg169Cys); NM_016038.4(SBDS):c.505C>T; c.505C>T, p.Arg169Cys (LRG_104t1); short protein forms R169C.
Identifiers: ClinVar variation 21541 (VCV000021541.11), dbSNP rs113993996, ClinGen allele CA342201.
Genomic context (GRCh38, chr7:66,991,256, plus strand): 5'-TTTCTTTCAGCTTCTTGCCTTCATTGACTGGAAGGATGAACCGAAGCCTCATGTGAGCAC[G>A]TTCTATCTTCATTTTCTCTTTTAACTGCTTTATCACTTCCAAAGCCTACCAAGACAAAAT-3'
Protein context (NP_057122.2, residues 159-179): KQLKEKMKIE[Arg169Cys]AHMRLRFILP

ClinVar aggregate classification (germline): Conflicting classifications of pathogenicity. Review status: criteria provided, conflicting classifications (1 of 4 stars). 7 submissions from 7 submitters: Likely pathogenic (4); Uncertain significance (2). 1 of the submissions does not count toward it. Last evaluated 2025-02-06.

Conditions:
SBDS-related disorder. Also called: SBDS-related condition.
Shwachman-Diamond syndrome 1 (SDS1). Also called: LIPOMATOSIS OF PANCREAS, CONGENITAL. Identifiers: MedGen C4692625, MONDO:0044204, OMIM 260400.
Aplastic anemia. Identifiers: Orphanet 182040, Orphanet 88, MedGen C0002874, MONDO:0015909, OMIM 609135, HP:0001915.

Allele frequency attached by ClinVar (database versions not stated): TOPMed below 0.00001; gnomAD 0.00001.
gnomAD v4.1: 15 of 1,613,264 alleles (0.00093%); highest among the groups gnomAD compares: East Asian, 0.0022%; no homozygotes.

Submissions (7):

Broad Center for Mendelian Genomics, Broad Institute of MIT and Harvard
Classification: Uncertain significance for Shwachman-Diamond syndrome 1. Last evaluated: 2025-02-06. Review status: criteria provided, single submitter. Criteria: ACMG Guidelines, 2015. Collection method: curation. Allele origin: germline. Inheritance: Autosomal recessive inheritance.
Comment: The p.Arg169Cys variant in SBDS has been reported, in the compound heterozygous state, in 1 individual with Shwachman-Diamond syndrome (PMID: 15284109) and has been identified in 0.002% (1/44880) of East Asian chromosomes by the Genome Aggregation Database (gnomAD; (dbSNP rs113993996). Although this variant has been seen in the general population in a heterozygous state, its frequency is low enough to be consistent with a recessive carrier frequency. The presence of a known pseudogene, SBDSP1, can impact the reliability of allele frequencies. This variant has also been reported in ClinVar (Variation ID: 21541) and has been interpreted as a variant of uncertain significance by SIB Swiss Institute of Bioinformatics and as likely pathogenic by Baylor Genetics and GeneDx. In vitro functional studies provide some evidence that the p.Arg169Cys variant may not impact protein function (PMID: 23115272). However, these types of assays may not accurately represent biological function. Computational prediction tools and conservation analyses suggest that this variant may impact the protein, though this information is not predictive enough to determine pathogenicity. In summary, the clinical significance of the p.Arg169Cys variant is uncertain. ACMG/AMP Criteria applied: PM3, BS3_supporting, PP3_moderate, PM2_supporting (Richards 2015).

GeneDx
Classification: Likely pathogenic. Last evaluated: 2024-05-20. Review status: criteria provided, single submitter. Criteria: GeneDx Variant Classification Process June 2021. Collection method: clinical testing. Allele origin: germline. Affected: yes.
Comment: In silico analysis supports that this missense variant has a deleterious effect on protein structure/function; This variant is associated with the following publications: (PMID: 12496757, 15860664, 15701631, 23115272, 21536732, 19602484, 15284109, 20658628, 35982160)

Baylor Genetics
Classification: Likely pathogenic for Aplastic anemia. Last evaluated: 2024-01-30. Review status: criteria provided, single submitter. Criteria: ACMG Guidelines, 2015. Collection method: clinical testing. Allele origin: unknown.

Blueprint Genetics
Classification: Likely pathogenic for SBDS-related disorders. Last evaluated: 2022-09-16. Review status: criteria provided, single submitter. Criteria: ACMG Guidelines, 2015. Collection method: clinical testing. Allele origin: germline. Affected: yes. Observed: 2 variant alleles.

Department of Pathology and Laboratory Medicine, Sinai Health System
Classification: Likely pathogenic for Shwachman-Diamond syndrome 1; Aplastic anemia. Last evaluated: 2022-05-25. Review status: criteria provided, single submitter. Criteria: ACMG Guidelines, 2015. Collection method: research. Allele origin: germline.

SIB Swiss Institute of Bioinformatics
Classification: Uncertain significance for Shwachman-Diamond syndrome 1. Last evaluated: 2018-04-16. Review status: criteria provided, single submitter. Criteria: ACMG Guidelines, 2015. Collection method: curation. Allele origin: germline.
Comment: This variant is interpreted as a Uncertain Significance, for Shwachman-Diamond syndrome, Autosomal Recessive inheritance. The following ACMG Tag(s) were applied: PM2 => Absent from controls (or at extremely low frequency if recessive) in Exome Sequencing Project, 1000 Genomes Project, or Exome Aggregation Consortium. PP3 => Multiple lines of computational evidence support a deleterious effect on the gene or gene product.

GeneReviews
No classification provided. Condition: Shwachman-Diamond syndrome 1. Review status: no classification provided. Collection method: literature only. Allele origin: germline. Not counted in ClinVar's aggregate classification.

Literature cited by the submitters: PubMed 23115272 (cited by Broad Center for Mendelian Genomics, Broad Institute of MIT and Harvard); PubMed 12496757 (cited by SIB Swiss Institute of Bioinformatics).